The following is an entry in ClinVar:

NM_015175.3(NBEAL2):c.2480A>G (p.Asn827Ser)

Gene: NBEAL2 (neurobeachin like 2; plus strand). Cytogenetic location: 3p21.31.
Variant type: single nucleotide variant.
Coding change: c.2480A>G on transcript NM_015175.3 (MANE Select); coding-DNA position 2480, A replaced by G.
Protein change: p.Asn827Ser; replaces asparagine 827 with serine.
Molecular consequence: missense variant.
Genome position (GRCh38, 1-based): chr3:46,996,757, A>G. VCF-style: chr3-46996757-A-G. GRCh37 (hg19) VCF-style: chr3-47038247-A-G.
Other names: c.2378A>G, p.Asn793Ser (NM_001365116.2); short protein forms N793S, N827S.
Identifiers: ClinVar variation 2635804 (VCV002635804.2), dbSNP rs199550171, ClinGen allele CA2360646.

ClinVar aggregate classification (germline): Uncertain significance. Review status: criteria provided, multiple submitters, no conflicts (2 of 4 stars). 2 submissions from 2 submitters: Uncertain significance (2). Last evaluated 2024-04-15.

Conditions:
NBEAL2-related disorder. Also called: NBEAL2-related condition.

Allele frequency attached by ClinVar (database versions not stated): gnomAD exomes 0.00002; ExAC 0.00004; gnomAD 0.00005; TOPMed 0.00006; 1000 Genomes Project 30x 0.00031; 1000 Genomes Project 0.00040.
gnomAD v4.1: 33 of 1,612,188 alleles (0.002%); highest among the groups gnomAD compares: African/African-American, 0.008%; no homozygotes.

Submissions (2):

Blueprint Genetics
Classification: Uncertain significance. Last evaluated: 2024-04-15. Review status: criteria provided, single submitter. Criteria: ACMG Guidelines, 2015. Collection method: clinical testing. Allele origin: germline.

PreventionGenetics, part of Exact Sciences
Classification: Uncertain significance for NBEAL2-related condition. Last evaluated: 2023-08-30. Review status: criteria provided, single submitter. Criteria: ACMG Guidelines, 2015. Collection method: clinical testing. Allele origin: germline.
Comment: The NBEAL2 c.2480A>G variant is predicted to result in the amino acid substitution p.Asn827Ser. To our knowledge, this variant has not been reported in the literature. This variant is reported in 0.013% of alleles in individuals of African descent in gnomAD. At this time, the clinical significance of this variant is uncertain due to the absence of conclusive functional and genetic evidence.